The following is an entry in ClinVar:

NM_006648.4(WNK2):c.3929A>G (p.Lys1310Arg)

Gene: WNK2 (WNK lysine deficient protein kinase 2; plus strand). Cytogenetic location: 9q22.31.
Variant type: single nucleotide variant.
Coding change: c.3929A>G on transcript NM_006648.4 (MANE Select); coding-DNA position 3929, A replaced by G.
Protein change: p.Lys1310Arg; replaces lysine 1310 with arginine.
Molecular consequence: missense variant.
Genome position (GRCh38, 1-based): chr9:93,268,642, A>G. VCF-style: chr9-93268642-A-G. GRCh37 (hg19) VCF-style: chr9-96030924-A-G.
Other names: c.3929A>G, p.Lys1310Arg (NM_001282394.3); short protein forms K1310R.
Identifiers: ClinVar variation 5031817 (VCV005031817.1).

ClinVar aggregate classification (germline): Uncertain significance (1 of 4 stars; one submission).

gnomAD v4.1: 1 of 1,613,194 alleles (0.000062%); highest among the groups gnomAD compares: Non-Finnish European, 0.000085%; no homozygotes.

Submission:

Ambry Genetics
Classification: Uncertain significance. Last evaluated: 2026-07-01. Review status: criteria provided, single submitter. Criteria: Ambry Variant Classification Scheme 2023. Collection method: clinical testing. Allele origin: germline.
Comment: The p.K1310R variant (also known as c.3929A>G), located in coding exon 18 of the WNK2 gene, results from an A to G substitution at nucleotide position 3929. The lysine at codon 1310 is replaced by arginine, an amino acid with highly similar properties. This amino acid position is conserved. In addition, this alteration is predicted to be tolerated by in silico analysis. Based on the available evidence, the clinical significance of this variant remains unclear.